The following is an entry in ClinVar:

NM_006662.3(SRCAP):c.9517_9518delinsTT (p.Glu3173Leu)

Gene: SRCAP (Snf2 related CREBBP activator protein; plus strand). Cytogenetic location: 16p11.2.
Variant type: Indel.
Coding change: c.9517_9518delinsTT on transcript NM_006662.3 (MANE Select); coding-DNA positions 9517 to 9518, GA replaced by TT.
Protein change: p.Glu3173Leu; replaces glutamic acid 3173 with leucine.
Molecular consequence: missense variant.
Genome position (GRCh38, 1-based): chr16:30,739,557-30,739,558, GA replaced by TT. VCF-style: chr16-30739557-GA-TT. GRCh37 (hg19) VCF-style: chr16-30750878-GA-TT.
Other names: short protein forms E3173L.
Identifiers: ClinVar variation 4713815 (VCV004713815.1).

ClinVar aggregate classification (germline): Uncertain significance (1 of 4 stars; one submission).

Submission:

Labcorp Genetics (formerly Invitae), Labcorp
Classification: Uncertain significance. Last evaluated: 2025-02-25. Review status: criteria provided, single submitter. Criteria: Invitae Variant Classification Sherloc (09022015). Collection method: clinical testing. Allele origin: germline.
Comment: This sequence change replaces glutamic acid, which is acidic and polar, with leucine, which is neutral and non-polar, at codon 3173 of the SRCAP protein (p.Glu3173Leu). Information on the frequency of this variant in the gnomAD database is not available, as this variant may be reported differently in the database. This variant has not been reported in the literature in individuals affected with SRCAP-related conditions. Experimental studies and prediction algorithms are not available or were not evaluated, and the functional significance of this variant is currently unknown. In summary, the available evidence is currently insufficient to determine the role of this variant in disease. Therefore, it has been classified as a Variant of Uncertain Significance.